The following is an entry in ClinVar:

NC_000019.9:g.(?_47257002)_(47259076_?)del

Gene: FKRP (fukutin related protein; plus strand). Cytogenetic location: 19q13.32.
Variant type: Deletion.
Identifiers: ClinVar variation 3248428 (VCV003248428.1).

ClinVar aggregate classification (germline): Pathogenic (1 of 4 stars; one submission).

Conditions:
Walker-Warburg congenital muscular dystrophy. Also called: Muscular dystrophy-dystroglycanopathy, type A; Walker-Warburg syndrome. Identifiers: Orphanet 899, MedGen C0265221, MONDO:0000171.

Submission:

Labcorp Genetics (formerly Invitae), Labcorp
Classification: Pathogenic for Walker-Warburg congenital muscular dystrophy. Last evaluated: 2020-06-19. Review status: criteria provided, single submitter. Criteria: Invitae Variant Classification Sherloc (09022015). Collection method: clinical testing. Allele origin: unknown.
Comment: This variant is a gross deletion of the genomic region encompassing part of exon 4 (c.-39-1665_371del) of the FKRP gene, which includes the initiator codon. This is expected to result in an absent or disrupted protein product. This variant has not been reported in the literature in individuals with FKRP-related conditions. Loss-of-function variants in FKRP are known to be pathogenic (PMID: 11592034, 12707425, 23591631). For these reasons, this variant has been classified as Pathogenic.

Literature cited by the submitters: PubMed 11592034; PubMed 12707425; PubMed 23591631.